The following is an entry in ClinVar:

ClinVar aggregate classification (germline): Benign/Likely benign. Review status: criteria provided, multiple submitters, no conflicts (2 of 4 stars). 6 submissions from 6 submitters: Benign (2); Likely benign (3). 1 of the submissions does not count toward it. Last evaluated 2026-06-01.

Conditions:
Parkinson disease 13, autosomal dominant, susceptibility to. Identifiers: Orphanet 2828, MedGen C1853202, MONDO:0012466, OMIM 610297.
HTRA2-related disorder. Also called: HTRA2-related condition.

Allele frequency attached by ClinVar (database versions not stated): 1000 Genomes Project 0.00160; 1000 Genomes Project 30x 0.00187; gnomAD 0.00200 and 0.00209; ESP Exome Variant Server 0.00216; gnomAD exomes 0.00222 and 0.00355; TOPMed 0.00246; ExAC 0.00269.
gnomAD v4.1: 5,454 of 1,610,606 alleles (0.34%); highest among the groups gnomAD compares: South Asian, 0.4%; 16 homozygotes.

Submissions (6):

CeGaT Center for Human Genetics Tuebingen
Classification: Likely benign. Last evaluated: 2026-06-01. Review status: criteria provided, single submitter. Criteria: CeGaT Center For Human Genetics Tuebingen Variant Classification Criteria Version 2. Collection method: clinical testing. Allele origin: germline. Affected: yes. Observed: 12 variant alleles.
Comment: HTRA2: BS2

Labcorp Genetics (formerly Invitae), Labcorp
Classification: Benign. Last evaluated: 2026-01-31. Review status: criteria provided, single submitter. Criteria: Invitae Variant Classification Sherloc (09022015). Collection method: clinical testing. Allele origin: germline.

Mayo Clinic Laboratories, Mayo Clinic
Classification: Likely benign. Last evaluated: 2024-10-15. Review status: criteria provided, single submitter. Criteria: ACMG Guidelines, 2015. Collection method: clinical testing. Allele origin: germline. Observed: 1 variant allele.
Comment: BS1, BP4

GeneDx
Classification: Likely benign. Last evaluated: 2020-09-05. Review status: criteria provided, single submitter. Criteria: GeneDx Variant Classification Process June 2021. Collection method: clinical testing. Allele origin: germline. Affected: yes.
Comment: This variant is associated with the following publications: (PMID: 18401856)

Illumina Laboratory Services, Illumina
Classification: Benign for Parkinson disease 13, autosomal dominant, susceptibility to. Last evaluated: 2018-01-12. Review status: criteria provided, single submitter. Criteria: ICSL Variant Classification Criteria 13 December 2019. Collection method: clinical testing. Allele origin: germline.
Comment: This variant was observed in the ICSL laboratory as part of a predisposition screen in an ostensibly healthy population. It had not been previously curated by ICSL or reported in the Human Gene Mutation Database (HGMD: prior to June 1st, 2018), and was therefore a candidate for classification through an automated scoring system. Utilizing variant allele frequency, disease prevalence and penetrance estimates, and inheritance mode, an automated score was calculated to assess if this variant is too frequent to cause the disease. Based on the score and internal cut-off values, a variant classified as benign is not then subjected to further curation. The score for this variant resulted in a classification of benign for this disease.

PreventionGenetics, part of Exact Sciences
Classification: Likely benign for HTRA2-related condition. Last evaluated: 2023-01-06. Review status: no assertion criteria provided. Collection method: clinical testing. Allele origin: germline. Not counted in ClinVar's aggregate classification.
Comment: This variant is classified as likely benign based on ACMG/AMP sequence variant interpretation guidelines (Richards et al. 2015 PMID: 25741868, with internal and published modifications).

Literature cited by the submitters: PubMed 18401856 (cited by Mayo Clinic Laboratories, Mayo Clinic); PubMed 25803036 (cited by Mayo Clinic Laboratories, Mayo Clinic); PubMed 32707456 (cited by Mayo Clinic Laboratories, Mayo Clinic); PubMed 38137339 (cited by Mayo Clinic Laboratories, Mayo Clinic).

NM_013247.5(HTRA2):c.215T>C (p.Leu72Pro)

Gene: HTRA2 (HtrA serine peptidase 2; plus strand). Cytogenetic location: 2p13.1.
Variant type: single nucleotide variant.
Coding change: c.215T>C on transcript NM_013247.5 (MANE Select); coding-DNA position 215, T replaced by C.
Protein change: p.Leu72Pro; replaces leucine 72 with proline.
Molecular consequence: missense variant. On other transcripts: non-coding transcript variant (1).
Genome position (GRCh38, 1-based): chr2:74,530,221, T>C. VCF-style: chr2-74530221-T-C. GRCh37 (hg19) VCF-style: chr2-74757348-T-C.
Other names: c.215T>C, p.Leu72Pro (NM_001321727.1, NM_001321728.1, NM_145074.2); short protein forms L72P.
Identifiers: ClinVar variation 337127 (VCV000337127.62), dbSNP rs150047108, ClinGen allele CA1728301.